The following is an entry in ClinVar:

ClinVar aggregate classification (germline): Uncertain significance (1 of 4 stars; one submission).

gnomAD v4.1: 2 of 1,612,858 alleles (0.00012%); highest among the groups gnomAD compares: Admixed American, 0.0017%; no homozygotes.

Submission:

Labcorp Genetics (formerly Invitae), Labcorp
Classification: Uncertain significance. Last evaluated: 2024-03-16. Review status: criteria provided, single submitter. Criteria: Invitae Variant Classification Sherloc (09022015). Collection method: clinical testing. Allele origin: germline.
Comment: This sequence change creates a premature translational stop signal (p.Trp232*) in the MRPL44 gene. It is expected to result in an absent or disrupted protein product. However, the current clinical and genetic evidence is not sufficient to establish whether loss-of-function variants in MRPL44 cause disease. This variant is present in population databases (rs759469808, gnomAD 0.003%). This variant has not been reported in the literature in individuals affected with MRPL44-related conditions. In summary, the available evidence is currently insufficient to determine the role of this variant in disease. Therefore, it has been classified as a Variant of Uncertain Significance.

NM_022915.5(MRPL44):c.695G>A (p.Trp232Ter)

Gene: MRPL44 (mitochondrial ribosomal protein L44; plus strand). Cytogenetic location: 2q36.1.
Variant type: single nucleotide variant.
Coding change: c.695G>A on transcript NM_022915.5 (MANE Select); coding-DNA position 695, G replaced by A.
Protein change: p.Trp232Ter; replaces tryptophan 232 with a stop codon.
Molecular consequence: nonsense.
Genome position (GRCh38, 1-based): chr2:223,963,802, G>A. VCF-style: chr2-223963802-G-A. GRCh37 (hg19) VCF-style: chr2-224828519-G-A.
Other names: short protein forms W232*.
Identifiers: ClinVar variation 3666556 (VCV003666556.2).